The following is an entry in ClinVar:

NM_018714.3(COG1):c.1401dup (p.Glu468Ter)

Gene: COG1 (component of oligomeric golgi complex 1; plus strand). Cytogenetic location: 17q25.1.
Variant type: Duplication.
Coding change: c.1401dup on transcript NM_018714.3 (MANE Select); coding-DNA position 1401, one base duplicated (T; older notation c.1401dupT).
Protein change: p.Glu468Ter; replaces glutamic acid 468 with a stop codon.
Molecular consequence: nonsense.
Genome position (GRCh38, 1-based): chr17:73,201,228, T duplicated; the last of 3 consecutive T bases (chr17:73,201,226-73,201,228); duplicating any one gives the same sequence. VCF-style (leftmost placement, unchanged base first): chr17-73201225-C-CT. GRCh37 (hg19) VCF-style: chr17-71197364-C-CT.
Other names: short protein forms E468*.
Identifiers: ClinVar variation 3684462 (VCV003684462.2).

ClinVar aggregate classification (germline): Pathogenic (1 of 4 stars; one submission).

Conditions:
COG1 congenital disorder of glycosylation (CDG2G). Also called: CONGENITAL DISORDER OF GLYCOSYLATION, TYPE IIg; CDG IIg; CDGII/COG1 CEREBROCOSTOMANDIBULAR-LIKE SYNDROME. Identifiers: Orphanet 263508, MedGen C2931011, MONDO:0012637, OMIM 611209.

Submission:

Labcorp Genetics (formerly Invitae), Labcorp
Classification: Pathogenic for COG1 congenital disorder of glycosylation. Last evaluated: 2025-01-22. Review status: criteria provided, single submitter. Criteria: Invitae Variant Classification Sherloc (09022015). Collection method: clinical testing. Allele origin: germline.
Comment: This sequence change creates a premature translational stop signal (p.Glu468*) in the COG1 gene. It is expected to result in an absent or disrupted protein product. Loss-of-function variants in COG1 are known to be pathogenic (PMID: 16537452). This variant is present in population databases (no rsID available, gnomAD 0.003%). This variant has not been reported in the literature in individuals affected with COG1-related conditions. For these reasons, this variant has been classified as Pathogenic.

Literature cited by the submitters: PubMed 16537452.